The following is an entry in ClinVar:

NM_006204.4(PDE6C):c.1891G>A (p.Glu631Lys)

Gene: PDE6C (phosphodiesterase 6C; plus strand). Cytogenetic location: 10q23.33.
Variant type: single nucleotide variant.
Coding change: c.1891G>A on transcript NM_006204.4 (MANE Select); coding-DNA position 1891, G replaced by A.
Protein change: p.Glu631Lys; replaces glutamic acid 631 with lysine.
Molecular consequence: missense variant.
Genome position (GRCh38, 1-based): chr10:93,646,003, G>A. VCF-style: chr10-93646003-G-A. GRCh37 (hg19) VCF-style: chr10-95405760-G-A.
Other names: short protein forms E631K.
Identifiers: ClinVar variation 2092168 (VCV002092168.4), dbSNP rs1281294413, ClinGen allele CA377620956.
Genomic context (GRCh38, chr10:93,646,003, plus strand): 5'-TGTTGTTTTCCTTCTAGATCCACGTCTCCATTAGCAAGACTTCATGGTTCTTCTATTTTG[G>A]AGAGGCACCACCTGGAGTACAGTAAGACTCTGTTGCAGGATGAGGTACGTAAACCTCTCT-3'
Protein context (NP_006195.3, residues 621-641): LARLHGSSIL[Glu631Lys]RHHLEYSKTL

ClinVar aggregate classification (germline): Uncertain significance (1 of 4 stars; one submission).

Allele frequency attached by ClinVar (database versions not stated): gnomAD exomes below 0.00001.
gnomAD v4.1: 2 of 1,609,640 alleles (0.00012%); highest among the groups gnomAD compares: African/African-American, 0.0013%; no homozygotes.

Submission:

Labcorp Genetics (formerly Invitae), Labcorp
Classification: Uncertain significance. Last evaluated: 2022-02-02. Review status: criteria provided, single submitter. Criteria: Invitae Variant Classification Sherloc (09022015). Collection method: clinical testing. Allele origin: germline.
Comment: This sequence change replaces glutamic acid, which is acidic and polar, with lysine, which is basic and polar, at codon 631 of the PDE6C protein (p.Glu631Lys). This variant is present in population databases (no rsID available, gnomAD 0.007%). This missense change has been observed in individual(s) with achromatopsia (Invitae). Algorithms developed to predict the effect of missense changes on protein structure and function (SIFT, PolyPhen-2, Align-GVGD) all suggest that this variant is likely to be disruptive. In summary, the available evidence is currently insufficient to determine the role of this variant in disease. Therefore, it has been classified as a Variant of Uncertain Significance.